The following is an entry in ClinVar:

NM_000243.3(MEFV):c.911-2117T>C

Gene: MEFV (MEFV innate immunity regulator, pyrin; minus strand). Cytogenetic location: 16p13.3.
Variant type: single nucleotide variant.
Coding change: c.911-2117T>C on transcript NM_000243.3 (MANE Select); 2117 bases into the intron before coding-DNA position 911, T replaced by C.
Molecular consequence: intron variant.
Genome position (GRCh38, 1-based): chr16:3,251,897, A>G on the plus strand (T>C on the coding strand, the complement: MEFV is on the minus strand). VCF-style: chr16-3251897-A-G. GRCh37 (hg19) VCF-style: chr16-3301897-A-G.
Other names: c.278-2117T>C (NM_001198536.2).
Identifiers: ClinVar variation 2628108 (VCV002628108.2), dbSNP rs224218, ClinGen allele CA14259017.
Genomic context (GRCh38, chr16:3,251,897, plus strand): 5'-CTGTGCATATATGCATTTTTCAGGGTCTAAGCCTGCATCAGATTAACGAAGCGGCCCTAG[A>G]AGACACCCAGGAATCCCAATGATATAAATACAGTGGGGACCTGGTGCAGTGGTGCACACC-3'

ClinVar aggregate classification (germline): Benign (1 of 4 stars; one submission).

Allele frequency attached by ClinVar (database versions not stated): 1000 Genomes Project 0.39197; 1000 Genomes Project 30x 0.40397; gnomAD exomes 0.42474; gnomAD 0.47322; TOPMed 0.48169.
gnomAD v4.1: 117,835 of 259,996 alleles (45%); highest among the groups gnomAD compares: Admixed American, 56%; 28,684 homozygotes.

Submission:

Unidad de Genómica Garrahan, Hospital de Pediatría Garrahan
Classification: Benign. Last evaluated: 2023-11-12. Review status: criteria provided, single submitter. Criteria: ACMG Guidelines, 2015. Collection method: clinical testing. Allele origin: germline. Affected: no. Observed: 80 variant alleles.
Comment: This variant is classified as Benign based on local population frequency. This variant was detected in 83% of patients studied by a panel of primary immunodeficiencies. Number of patients: 80. Only high quality variants are reported.